The following is an entry in ClinVar:

NM_001367624.2(ZNF469):c.1345C>T (p.Pro449Ser)

Gene: ZNF469 (zinc finger protein 469; plus strand). Cytogenetic location: 16q24.2.
Variant type: single nucleotide variant.
Coding change: c.1345C>T on transcript NM_001367624.2 (MANE Select); coding-DNA position 1345, C replaced by T.
Protein change: p.Pro449Ser; replaces proline 449 with serine.
Molecular consequence: missense variant.
Genome position (GRCh38, 1-based): chr16:88,428,815, C>T. VCF-style: chr16-88428815-C-T. GRCh37 (hg19) VCF-style: chr16-88495223-C-T.
Other names: short protein forms P449S.
Identifiers: ClinVar variation 2068174 (VCV002068174.1), dbSNP rs1905897028, ClinGen allele CA397066220.

ClinVar aggregate classification (germline): Uncertain significance (1 of 4 stars; one submission).

Submission:

Labcorp Genetics (formerly Invitae), Labcorp
Classification: Uncertain significance. Last evaluated: 2022-07-26. Review status: criteria provided, single submitter. Criteria: Invitae Variant Classification Sherloc (09022015). Collection method: clinical testing. Allele origin: germline.
Comment: This sequence change replaces proline, which is neutral and non-polar, with serine, which is neutral and polar, at codon 449 of the ZNF469 protein (p.Pro449Ser). This variant is not present in population databases (gnomAD no frequency). This variant has not been reported in the literature in individuals affected with ZNF469-related conditions. Algorithms developed to predict the effect of missense changes on protein structure and function output the following: SIFT: "Tolerated"; PolyPhen-2: "Probably Damaging"; Align-GVGD: "Class C0". The serine amino acid residue is found in multiple mammalian species, which suggests that this missense change does not adversely affect protein function. In summary, the available evidence is currently insufficient to determine the role of this variant in disease. Therefore, it has been classified as a Variant of Uncertain Significance.